The following is an entry in ClinVar:

ClinVar aggregate classification (germline): Uncertain significance (1 of 4 stars; one submission).

Conditions:
Catecholaminergic polymorphic ventricular tachycardia 1. Also called: VENTRICULAR TACHYCARDIA, CATECHOLAMINERGIC POLYMORPHIC, 1, WITH OR WITHOUT ATRIAL DYSFUNCTION AND/OR DILATED CARDIOMYOPATHY; VENTRICULAR TACHYCARDIA, STRESS-INDUCED POLYMORPHIC 1; RYR2-Related Catecholaminergic Polymorphic Ventricular Tachycardia. Identifiers: Orphanet 3286, MedGen C1631597, MONDO:0011484, OMIM 604772.
Ventricular arrhythmias due to cardiac ryanodine receptor calcium release deficiency syndrome. Also called: Autosomal dominant cardiac arrhythmia (Kuhn). Identifiers: MedGen C5542154, MONDO:0020745, OMIM 115000.

Allele frequency attached by ClinVar (database versions not stated): TOPMed 0.00001.

Submission:

New York Genome Center
Classification: Uncertain significance for Ventricular arrhythmias due to cardiac ryanodine receptor calcium release deficiency syndrome; Catecholaminergic polymorphic ventricular tachycardia 1. Last evaluated: 2023-05-15. Review status: criteria provided, single submitter. Criteria: NYGC Assertion Criteria 2020. Collection method: clinical testing. Allele origin: germline. Observed: 1 heterozygote.
Comment: The c.12279C>G p.(Asp4093Glu) missense variant identified in the RYR2 gene has not previously been reported in the literature or been deposited in the ClinVar database. However, a different missense variant [c.12278A>G (p.Asp4093Gly)] affecting the same residue has been deposited in ClinVar as a variant of uncertain significance [ClinVar ID: 1318472]. The c.12279C>G variant is absent from the gnomAD v3.1.2 and v2.1.1 population databases and has an allele frequency of 0.000007556 (2 out of 132,345 heterozygous alleles, no homozygotes) in TOPMed Freeze 8, suggesting it is not a common benign variant in the populations represented in those databases. The c.12279C>G variant is located in exon 90 of this 105-exon gene and is predicted to replace a highly conserved aspartic acid with glutamic acid at position 4093 of the encoded protein. In silico predictions neither support or refute a damaging effect [REVEL = 0.475] and functional studies have not been reported. Due to the lack of compelling evidence for its pathogenicity, the c.12279C>G p.(Asp4093Glu) missense variant identified in the RYR2 gene is reported as a Variant of Uncertain Significance.

NM_001035.3(RYR2):c.12279C>G (p.Asp4093Glu)

Gene: RYR2 (ryanodine receptor 2; plus strand). Cytogenetic location: 1q43.
Variant type: single nucleotide variant.
Coding change: c.12279C>G on transcript NM_001035.3 (MANE Select); coding-DNA position 12279, C replaced by G.
Protein change: p.Asp4093Glu; replaces aspartic acid 4093 with glutamic acid.
Molecular consequence: missense variant.
Genome position (GRCh38, 1-based): chr1:237,783,991, C>G. VCF-style: chr1-237783991-C-G. GRCh37 (hg19) VCF-style: chr1-237947291-C-G.
Other names: short protein forms D4093E.
Identifiers: ClinVar variation 2665079 (VCV002665079.1), dbSNP rs1695342105, ClinGen allele CA345412874.